The following is an entry in ClinVar:

NM_001614.5(ACTG1):c.-48C>A

Gene: ACTG1 (actin gamma 1; minus strand). Cytogenetic location: 17q25.3.
Variant type: single nucleotide variant.
Coding change: c.-48C>A on transcript NM_001614.5 (MANE Select); 48 bases upstream of the start codon, C replaced by A.
Molecular consequence: 5 prime UTR variant. On other transcripts: non-coding transcript variant (1).
Genome position (GRCh38, 1-based): chr17:81,512,775, G>T on the plus strand (C>A on the coding strand, the complement: ACTG1 is on the minus strand). VCF-style: chr17-81512775-G-T. GRCh37 (hg19) VCF-style: chr17-79479801-G-T.
Other names: c.-167C>A (NM_001199954.3).
Identifiers: ClinVar variation 382760 (VCV000382760.1), dbSNP rs567737230, ClinGen allele CA16607535.

ClinVar aggregate classification (germline): Likely benign (1 of 4 stars; one submission).

Allele frequency attached by ClinVar (database versions not stated): TOPMed 0.00005.

Submission:

GeneDx
Classification: Likely benign. Last evaluated: 2016-01-14. Review status: criteria provided, single submitter. Criteria: GeneDx Variant Classification (06012015). Collection method: clinical testing. Allele origin: germline. Affected: yes.
Comment: This variant is considered likely benign or benign based on one or more of the following criteria: it is a conservative change, it occurs at a poorly conserved position in the protein, it is predicted to be benign by multiple in silico algorithms, and/or has population frequency not consistent with disease.